The following is an entry in ClinVar:

NM_014283.5(SUCO):c.3314A>T (p.Glu1105Val)

Gene: SUCO (SUN domain containing ossification factor; plus strand). Cytogenetic location: 1q24.3.
Variant type: single nucleotide variant.
Coding change: c.3314A>T on transcript NM_014283.5 (MANE Select); coding-DNA position 3314, A replaced by T.
Protein change: p.Glu1105Val; replaces glutamic acid 1105 with valine.
Molecular consequence: missense variant.
Genome position (GRCh38, 1-based): chr1:172,608,795, A>T. VCF-style: chr1-172608795-A-T. GRCh37 (hg19) VCF-style: chr1-172577935-A-T.
Other names: c.2201A>T, p.Glu734Val (NM_001282750.2); c.1625A>T, p.Glu542Val (NM_001282751.2); c.3767A>T, p.Glu1256Val (NM_016227.4); short protein forms E1105V, E734V, E542V, E1256V.
Identifiers: ClinVar variation 2404342 (VCV002404342.6), dbSNP rs144344228, ClinGen allele CA1247317.

ClinVar aggregate classification (germline): Uncertain significance. Review status: criteria provided, multiple submitters, no conflicts (2 of 4 stars). 2 submissions from 2 submitters: Uncertain significance (2). Last evaluated 2025-10-22.

Allele frequency attached by ClinVar (database versions not stated): ExAC 0.00001; gnomAD exomes 0.00003; TOPMed 0.00004; gnomAD 0.00005; ESP Exome Variant Server 0.00008.
gnomAD v4.1: 48 of 1,568,756 alleles (0.0031%); highest among the groups gnomAD compares: Non-Finnish European, 0.0039%; no homozygotes.

Submissions (2):

Ambry Genetics
Classification: Uncertain significance. Last evaluated: 2025-10-22. Review status: criteria provided, single submitter. Criteria: Ambry Variant Classification Scheme 2023. Collection method: clinical testing. Allele origin: germline.

Labcorp Genetics (formerly Invitae), Labcorp
Classification: Uncertain significance. Last evaluated: 2025-04-01. Review status: criteria provided, single submitter. Criteria: Invitae Variant Classification Sherloc (09022015). Collection method: clinical testing. Allele origin: germline.
Comment: This sequence change replaces glutamic acid, which is acidic and polar, with valine, which is neutral and non-polar, at codon 1105 of the SUCO protein (p.Glu1105Val). This variant is present in population databases (rs144344228, gnomAD 0.006%). This variant has not been reported in the literature in individuals affected with SUCO-related conditions. ClinVar contains an entry for this variant (Variation ID: 2404342). An algorithm developed to predict the effect of missense changes on protein structure and function (PolyPhen-2) suggests that this variant is likely to be disruptive. In summary, the available evidence is currently insufficient to determine the role of this variant in disease. Therefore, it has been classified as a Variant of Uncertain Significance.